The following is an entry in ClinVar:

ClinVar aggregate classification (germline): Uncertain significance (1 of 4 stars; one submission).

Submission:

GeneDx
Classification: Uncertain significance. Last evaluated: 2023-01-06. Review status: criteria provided, single submitter. Criteria: GeneDx Variant Classification Process June 2021. Collection method: clinical testing. Allele origin: germline. Affected: yes.
Comment: Not observed at significant frequency in large population cohorts (gnomAD); In silico analysis supports that this missense variant does not alter protein structure/function; Has not been previously published as pathogenic or benign to our knowledge

NM_019066.5(MAGEL2):c.3346G>A (p.Val1116Ile)

Gene: MAGEL2 (MAGE family member L2; minus strand). Cytogenetic location: 15q11.2.
Variant type: single nucleotide variant.
Coding change: c.3346G>A on transcript NM_019066.5 (MANE Select); coding-DNA position 3346, G replaced by A.
Protein change: p.Val1116Ile; replaces valine 1116 with isoleucine.
Molecular consequence: missense variant.
Genome position (GRCh38, 1-based): chr15:23,644,397, C>T on the plus strand (G>A on the coding strand, the complement: MAGEL2 is on the minus strand). VCF-style: chr15-23644397-C-T. GRCh37 (hg19) VCF-style: chr15-23889544-C-T.
Other names: short protein forms V1116I.
Identifiers: ClinVar variation 1704728 (VCV001704728.2), dbSNP rs2503974389, ClinGen allele CA391323530.